The following is an entry in ClinVar:

NM_032043.3(BRIP1):c.1942G>A (p.Val648Ile)

Gene: BRIP1 (BRCA1 interacting DNA helicase 1; minus strand). Cytogenetic location: 17q23.2.
Variant type: single nucleotide variant.
Coding change: c.1942G>A on transcript NM_032043.3 (MANE Select); coding-DNA position 1942, G replaced by A.
Protein change: p.Val648Ile; replaces valine 648 with isoleucine.
Molecular consequence: missense variant.
Genome position (GRCh38, 1-based): chr17:61,776,556, C>T on the plus strand (G>A on the coding strand, the complement: BRIP1 is on the minus strand). VCF-style: chr17-61776556-C-T. GRCh37 (hg19) VCF-style: chr17-59853917-C-T.
Other names: short protein forms V648I.
Identifiers: ClinVar variation 229811 (VCV000229811.22), dbSNP rs780475484, ClinGen allele CA8690619.

ClinVar aggregate classification (germline): Uncertain significance. Review status: criteria provided, multiple submitters, no conflicts (2 of 4 stars). 5 submissions from 5 submitters: Uncertain significance (5). Last evaluated 2026-01-04.

Conditions:
Familial ovarian cancer. Identifiers: MedGen C5679802, MONDO:0016248.
Hereditary cancer-predisposing syndrome. Also called: Hereditary Cancer Syndrome; Neoplastic Syndromes, Hereditary; Tumor predisposition; Hereditary neoplastic syndrome. Identifiers: Orphanet 140162, MedGen C0027672, MeSH D009386, MONDO:0015356.
Fanconi anemia complementation group J. Also called: BRIP1-Related Fanconi Anemia. Identifiers: Orphanet 84, MedGen C1836860, MONDO:0012187, OMIM 609054.
Familial cancer of breast. Also called: Hereditary breast cancer; hereditary breast carcinoma; BREAST CANCER, FAMILIAL. Identifiers: Orphanet 227535, MedGen C0346153, MONDO:0016419, OMIM 114480. Disease mechanism: loss of function.

Allele frequency attached by ClinVar (database versions not stated): gnomAD exomes below 0.00001 and 0.00001; ExAC 0.00001; gnomAD 0.00001; TOPMed 0.00001.
gnomAD v4.1: 4 of 1,613,784 alleles (0.00025%); highest among the groups gnomAD compares: Admixed American, 0.0017%; no homozygotes.

Submissions (5):

Labcorp Genetics (formerly Invitae), Labcorp
Classification: Uncertain significance for Familial cancer of breast; Fanconi anemia complementation group J. Last evaluated: 2026-01-04. Review status: criteria provided, single submitter. Criteria: Invitae Variant Classification Sherloc (09022015). Collection method: clinical testing. Allele origin: germline.
Comment: This sequence change replaces valine, which is neutral and non-polar, with isoleucine, which is neutral and non-polar, at codon 648 of the BRIP1 protein (p.Val648Ile). This variant is present in population databases (rs780475484, gnomAD 0.0009%). This variant has not been reported in the literature in individuals affected with BRIP1-related conditions. ClinVar contains an entry for this variant (Variation ID: 229811). Invitae Evidence Modeling of protein sequence and biophysical properties (such as structural, functional, and spatial information, amino acid conservation, physicochemical variation, residue mobility, and thermodynamic stability) indicates that this missense variant is not expected to disrupt BRIP1 protein function with a negative predictive value of 95%. In summary, the available evidence is currently insufficient to determine the role of this variant in disease. Therefore, it has been classified as a Variant of Uncertain Significance.

Department of Pathology and Laboratory Medicine, Sinai Health System
Classification: Uncertain significance for familial ovarian cancer. Last evaluated: 2024-10-15. Review status: criteria provided, single submitter. Criteria: ACMG Guidelines, 2015. Collection method: clinical testing. Allele origin: germline.

Color Diagnostics, LLC DBA Color Health
Classification: Uncertain significance for Hereditary cancer-predisposing syndrome. Last evaluated: 2024-03-06. Review status: criteria provided, single submitter. Criteria: ACMG Guidelines, 2015. Collection method: clinical testing. Allele origin: germline.
Comment: This missense variant replaces valine with isoleucine at codon 648 of the BRIP1 protein. Computational prediction suggests that this variant may not impact protein structure and function (internally defined REVEL score threshold <= 0.5, PMID: 27666373). To our knowledge, functional studies have not been reported for this variant. This variant has not been reported in individuals affected with hereditary cancer in the literature. This variant has been identified in 2/251270 chromosomes in the general population by the Genome Aggregation Database (gnomAD). The available evidence is insufficient to determine the role of this variant in disease conclusively. Therefore, this variant is classified as a Variant of Uncertain Significance.

Baylor Genetics
Classification: Uncertain significance for Familial cancer of breast. Last evaluated: 2024-02-04. Review status: criteria provided, single submitter. Criteria: ACMG Guidelines, 2015. Collection method: clinical testing. Allele origin: unknown.

Ambry Genetics
Classification: Uncertain significance for Hereditary cancer-predisposing syndrome. Last evaluated: 2023-12-01. Review status: criteria provided, single submitter. Criteria: Ambry Variant Classification Scheme 2023. Collection method: clinical testing. Allele origin: germline.
Comment: The p.V648I variant (also known as c.1942G>A), located in coding exon 13 of the BRIP1 gene, results from a G to A substitution at nucleotide position 1942. The valine at codon 648 is replaced by isoleucine, an amino acid with highly similar properties. This amino acid position is highly conserved in available vertebrate species. In addition, this alteration is predicted to be tolerated by in silico analysis. Since supporting evidence is limited at this time, the clinical significance of this alteration remains unclear.